The following is an entry in ClinVar:

ClinVar aggregate classification (germline): Likely benign. Review status: criteria provided, multiple submitters, no conflicts (2 of 4 stars). 2 submissions from 2 submitters: Likely benign (2). Last evaluated 2024-05-05.

Conditions:
Cardiovascular phenotype. Identifiers: MedGen CN230736.
Catecholaminergic polymorphic ventricular tachycardia (CVPT). Also called: Catecholamine-induced polymorphic ventricular tachycardia. Identifiers: Orphanet 3286, MedGen C5574922, MONDO:0017990.

Submissions (2):

Ambry Genetics
Classification: Likely benign for Cardiovascular phenotype. Last evaluated: 2024-05-05. Review status: criteria provided, single submitter. Criteria: Ambry Variant Classification Scheme 2023. Collection method: clinical testing. Allele origin: germline.

All of Us Research Program, National Institutes of Health
Classification: Likely benign for Catecholaminergic polymorphic ventricular tachycardia. Last evaluated: 2023-05-16. Review status: criteria provided, single submitter. Criteria: ACMG Guidelines, 2015. Collection method: clinical testing. Allele origin: germline. Inheritance: Autosomal dominant inheritance. Observed: 1 variant allele, 1 heterozygote.
Comment: This study involves interpretation of variants in research participants for the purpose of population health screening. Participant phenotype was not available at the time of variant classification. Additional details can be found in publication PMID: 35346344, PMCID: PMC8962531

NM_001035.3(RYR2):c.6294T>C (p.Leu2098=)

Gene: RYR2 (ryanodine receptor 2; plus strand). Cytogenetic location: 1q43.
Variant type: single nucleotide variant.
Coding change: c.6294T>C on transcript NM_001035.3 (MANE Select); coding-DNA position 6294, T replaced by C.
Protein change: p.Leu2098=; no amino-acid change (leucine 2098 retained).
Molecular consequence: synonymous variant.
Genome position (GRCh38, 1-based): chr1:237,627,934, T>C. VCF-style: chr1-237627934-T-C. GRCh37 (hg19) VCF-style: chr1-237791234-T-C.
Other names: c.6294T>C (NM_001035.2).
Identifiers: ClinVar variation 3071115 (VCV003071115.2), dbSNP rs2546888642, ClinGen allele CA423821840.